The following is an entry in ClinVar:

ClinVar aggregate classification (germline): Uncertain significance (1 of 4 stars; one submission).

Conditions:
Polyglandular autoimmune syndrome, type 1 (APS1). Also called: Whitaker syndrome; AUTOIMMUNE POLYENDOCRINE SYNDROME, TYPE I, WITH OR WITHOUT REVERSIBLE METAPHYSEAL DYSPLASIA; APS I; Autoimmune polyendocrinopathy syndrome , type I, with or without reversible metaphyseal dysplasia; HYPOADRENOCORTICISM WITH HYPOPARATHYROIDISM AND SUPERFICIAL MONILIASIS; Autoimmune polyendocrinopathy syndrome, type I. Identifiers: Orphanet 3453, MedGen C0085859, MONDO:0009411, OMIM 240300.

Submission:

Labcorp Genetics (formerly Invitae), Labcorp
Classification: Uncertain significance for Polyglandular autoimmune syndrome, type 1. Last evaluated: 2025-11-09. Review status: criteria provided, single submitter. Criteria: Invitae Variant Classification Sherloc (09022015). Collection method: clinical testing. Allele origin: germline.
Comment: This sequence change replaces arginine, which is basic and polar, with cysteine, which is neutral and slightly polar, at codon 433 of the AIRE protein (p.Arg433Cys). This variant is present in population databases (rs750167585, gnomAD 0.007%). This variant has not been reported in the literature in individuals affected with AIRE-related conditions. Invitae Evidence Modeling of protein sequence and biophysical properties (such as structural, functional, and spatial information, amino acid conservation, physicochemical variation, residue mobility, and thermodynamic stability) has been performed for this missense variant. However, the output from this modeling did not meet the statistical confidence thresholds required to predict the impact of this variant on AIRE protein function. In summary, the available evidence is currently insufficient to determine the role of this variant in disease. Therefore, it has been classified as a Variant of Uncertain Significance.

NM_000383.4(AIRE):c.1297C>T (p.Arg433Cys)

Gene: AIRE (autoimmune regulator; plus strand). Cytogenetic location: 21q22.3.
Variant type: single nucleotide variant.
Coding change: c.1297C>T on transcript NM_000383.4 (MANE Select); coding-DNA position 1297, C replaced by T.
Protein change: p.Arg433Cys; replaces arginine 433 with cysteine.
Molecular consequence: missense variant.
Genome position (GRCh38, 1-based): chr21:44,293,807, C>T. VCF-style: chr21-44293807-C-T. GRCh37 (hg19) VCF-style: chr21-45713690-C-T.
Other names: short protein forms R433C.
Identifiers: ClinVar variation 4740489 (VCV004740489.1).
Genomic context (GRCh38, chr21:44,293,807, plus strand): 5'-CCCCCGGCCCCCCGCGTCACCCCGCGCTGTTGCCTCCCACAGAACCTGGCTCCTGGTGCG[C>T]GTTGCGGGGTGTGCGGAGATGGTACGGACGTGCTGCGGTGTACTCACTGCGCCGCTGCCT-3'
Protein context (NP_000374.1, residues 423-443): EGQQNLAPGA[Arg433Cys]CGVCGDGTDV